The following is an entry in ClinVar:

ClinVar aggregate classification (germline): Uncertain significance (1 of 4 stars; one submission).

gnomAD v4.1: 1 of 1,599,418 alleles (0.000063%); highest among the groups gnomAD compares: Non-Finnish European, 0.000085%; no homozygotes.

Submission:

GeneDx
Classification: Uncertain significance. Last evaluated: 2024-04-11. Review status: criteria provided, single submitter. Criteria: GeneDx Variant Classification Process June 2021. Collection method: clinical testing. Allele origin: germline. Affected: yes.
Comment: Not observed at significant frequency in large population cohorts (gnomAD); In silico analysis indicates that this missense variant does not alter protein structure/function; Has not been previously published as pathogenic or benign to our knowledge; This variant is associated with the following publications: (PMID: 19926015)

NM_001035.3(RYR2):c.13021G>C (p.Glu4341Gln)

Genes: RYR2 (ryanodine receptor 2; plus strand), LOC126806068 (BRD4-independent group 4 enhancer GRCh37_chr1:237947411-237948610; plus strand). Cytogenetic location: 1q43.
Variant type: single nucleotide variant.
Coding change: c.13021G>C on transcript NM_001035.3 (MANE Select); coding-DNA position 13021, G replaced by C.
Protein change: p.Glu4341Gln; replaces glutamic acid 4341 with glutamine.
Molecular consequence: missense variant.
Genome position (GRCh38, 1-based): chr1:237,784,733, G>C. VCF-style: chr1-237784733-G-C. GRCh37 (hg19) VCF-style: chr1-237948033-G-C.
Other names: short protein forms E4341Q.
Identifiers: ClinVar variation 3372502 (VCV003372502.1).